The following is an entry in ClinVar:

NM_020822.3(KCNT1):c.679T>C (p.Phe227Leu)

Gene: KCNT1 (potassium sodium-activated channel subfamily T member 1; plus strand). Cytogenetic location: 9q34.3.
Variant type: single nucleotide variant.
Coding change: c.679T>C on transcript NM_020822.3 (MANE Select); coding-DNA position 679, T replaced by C.
Protein change: p.Phe227Leu; replaces phenylalanine 227 with leucine.
Molecular consequence: missense variant.
Genome position (GRCh38, 1-based): chr9:135,757,301, T>C. VCF-style: chr9-135757301-T-C. GRCh37 (hg19) VCF-style: chr9-138649147-T-C.
Other names: c.535T>C, p.Phe179Leu (NM_001272003.2); short protein forms F227L, F179L.
Identifiers: ClinVar variation 4838739 (VCV004838739.1).

ClinVar aggregate classification (germline): Uncertain significance (1 of 4 stars; one submission).

Conditions:
Inborn genetic diseases. Identifiers: MedGen C0950123, MeSH D030342.

Submission:

Ambry Genetics
Classification: Uncertain significance for Inborn genetic diseases. Last evaluated: 2025-12-29. Review status: criteria provided, single submitter. Criteria: Ambry Variant Classification Scheme 2023. Collection method: clinical testing. Allele origin: germline.
Comment: The c.679T>C (p.F227L) alteration is located in exon 9 (coding exon 9) of the KCNT1 gene. This alteration results from a T to C substitution at nucleotide position 679, causing the phenylalanine (F) at amino acid position 227 to be replaced by a leucine (L). Based on data from gnomAD, the C allele has an overall frequency of <0.001% (1/250514) total alleles studied. The highest observed frequency was 0.001% (1/113476) of European (non-Finnish) alleles. Based on insufficient or conflicting evidence, the clinical significance of this alteration remains unclear.